The following is an entry in ClinVar:

ClinVar aggregate classification (germline): Uncertain significance. Review status: criteria provided, multiple submitters, no conflicts (2 of 4 stars). 2 submissions from 2 submitters: Uncertain significance (2). Last evaluated 2025-06-18.

Conditions:
Hereditary cancer-predisposing syndrome. Also called: Neoplastic Syndromes, Hereditary; Tumor predisposition; Hereditary Cancer Syndrome; Hereditary neoplastic syndrome. Identifiers: Orphanet 140162, MedGen C0027672, MeSH D009386, MONDO:0015356.

Allele frequency attached by ClinVar (database versions not stated): 1000 Genomes Project 30x 0.00016; 1000 Genomes Project 0.00020.
gnomAD v4.1: 11 of 1,460,982 alleles (0.00075%); highest among the groups gnomAD compares: African/African-American, 0.0073%; no homozygotes.

Submissions (2):

GeneDx
Classification: Uncertain significance. Last evaluated: 2025-06-18. Review status: criteria provided, single submitter. Criteria: GeneDx Variant Classification Process June 2021. Collection method: clinical testing. Allele origin: germline. Affected: yes.
Comment: Has not been previously published as pathogenic or benign to our knowledge; 5' UTR variant not predicted to affect splicing; Not observed at significant frequency in large population cohorts (gnomAD); Located in a regulatory region; in the absence of functional studies, the actual effect of this sequence change is unknown

Ambry Genetics
Classification: Uncertain significance for Hereditary cancer-predisposing syndrome. Last evaluated: 2024-01-31. Review status: criteria provided, single submitter. Criteria: Ambry Variant Classification Scheme 2023. Collection method: clinical testing. Allele origin: germline.
Comment: The c.-1C>G variant is located in the 5' untranslated region (5&rsquo; UTR) of the SDHA gene. This variant results from a C to G substitution 1 bases upstream from the first translated codon. This nucleotide position is well conserved in available vertebrate species. Based on the available evidence, the clinical significance of this alteration remains unclear.

NM_004168.4(SDHA):c.-1C>G

Gene: SDHA (succinate dehydrogenase complex flavoprotein subunit A; plus strand). Cytogenetic location: 5p15.33.
Variant type: single nucleotide variant.
Coding change: c.-1C>G on transcript NM_004168.4 (MANE Select); 1 bases upstream of the start codon, C replaced by G.
Molecular consequence: 5 prime UTR variant.
Genome position (GRCh38, 1-based): chr5:218,355, C>G. VCF-style: chr5-218355-C-G. GRCh37 (hg19) VCF-style: chr5-218470-C-G.
Other names: c.-1C>G (NM_001294332.2, NM_001330758.2).
Identifiers: ClinVar variation 1784187 (VCV001784187.3), dbSNP rs560932680, ClinGen allele CA3172672.
Genomic context (GRCh38, chr5:218,355, plus strand): 5'-TGTGGTGCGCAGGCGCAGTCTGCGCAGGGACTGGCGGGACTGCGCGGCGGCAACAGCAGA[C>G]ATGTCGGGGGTCCGGGGCCTGTCGCGGCTGCTGAGCGCTCGGCGCCTGGCGCTGGCCAAG-3'